The following is an entry in ClinVar:

ClinVar aggregate classification (germline): Uncertain significance (1 of 4 stars; one submission).

Submission:

MVZ Dr. Eberhard & Partner Dortmund
Classification: Uncertain significance. Last evaluated: 2022-04-11. Review status: criteria provided, single submitter. Criteria: ACMG Guidelines, 2015. Collection method: clinical testing. Allele origin: unknown. Observed: 1 heterozygote.
Comment: In this missense variant Methionine is replaced with Threonine at position 1433. This variant is not reported in literature, but is present in low frequency in population databases such as gnomAD (4 of 249202 alleles (all), 4 of 113032 in non-finnish european populations). Furthermore, this variant is also not present in mutation databases (such as ClinVar, LOVD3 and HGMD). Multiple lines of computational evidence (e.g.: MutationTaster2021, Polyphen and Varsome) suggest no impact on gene or gene product.

NM_003126.4(SPTA1):c.4298T>C (p.Met1433Thr)

Gene: SPTA1 (spectrin alpha, erythrocytic 1; minus strand). Cytogenetic location: 1q23.1.
Variant type: single nucleotide variant.
Coding change: c.4298T>C on transcript NM_003126.4 (MANE Select); coding-DNA position 4298, T replaced by C.
Protein change: p.Met1433Thr; replaces methionine 1433 with threonine.
Molecular consequence: missense variant.
Genome position (GRCh38, 1-based): chr1:158,644,293, A>G on the plus strand (T>C on the coding strand, the complement: SPTA1 is on the minus strand). VCF-style: chr1-158644293-A-G. GRCh37 (hg19) VCF-style: chr1-158614083-A-G.
Other names: short protein forms M1433T.
Identifiers: ClinVar variation 1802684 (VCV001802684.2), dbSNP rs1466779185, ClinGen allele CA343031399.